The following is an entry in ClinVar:

ClinVar aggregate classification (germline): Uncertain significance (1 of 4 stars; one submission).

Conditions:
Charcot-Marie-Tooth disease type 4A. Also called: Charcot-Marie-Tooth disease, demyelinating, autosomal recessive, type 4a. Identifiers: Orphanet 99948, MedGen C1859198, MONDO:0008961, OMIM 214400.

Allele frequency attached by ClinVar (database versions not stated): gnomAD exomes below 0.00001; TOPMed below 0.00001.
gnomAD v4.1: 2 of 1,613,812 alleles (0.00012%); highest among the groups gnomAD compares: South Asian, 0.0011%; no homozygotes.

Submission:

Labcorp Genetics (formerly Invitae), Labcorp
Classification: Uncertain significance for Charcot-Marie-Tooth disease type 4A. Last evaluated: 2022-08-15. Review status: criteria provided, single submitter. Criteria: Invitae Variant Classification Sherloc (09022015). Collection method: clinical testing. Allele origin: germline.
Comment: This variant has not been reported in the literature in individuals affected with GDAP1-related conditions. ClinVar contains an entry for this variant (Variation ID: 644035). Advanced modeling of protein sequence and biophysical properties (such as structural, functional, and spatial information, amino acid conservation, physicochemical variation, residue mobility, and thermodynamic stability) performed at Invitae indicates that this missense variant is expected to disrupt GDAP1 protein function. Algorithms developed to predict the effect of sequence changes on RNA splicing suggest that this variant may disrupt the consensus splice site. In summary, the available evidence is currently insufficient to determine the role of this variant in disease. Therefore, it has been classified as a Variant of Uncertain Significance. This variant is not present in population databases (gnomAD no frequency). This sequence change replaces glycine, which is neutral and non-polar, with arginine, which is basic and polar, at codon 83 of the GDAP1 protein (p.Gly83Arg).

NM_018972.4(GDAP1):c.247G>A (p.Gly83Arg)

Gene: GDAP1 (ganglioside induced differentiation associated protein 1; plus strand). Cytogenetic location: 8q21.11.
Variant type: single nucleotide variant.
Coding change: c.247G>A on transcript NM_018972.4 (MANE Select); coding-DNA position 247, G replaced by A.
Protein change: p.Gly83Arg; replaces glycine 83 with arginine.
Molecular consequence: missense variant. On other transcripts: intron variant (2).
Genome position (GRCh38, 1-based): chr8:74,351,403, G>A. VCF-style: chr8-74351403-G-A. GRCh37 (hg19) VCF-style: chr8-75263638-G-A.
Other names: c.43G>A, p.Gly15Arg (NM_001040875.4); c.247G>A, p.Gly83Arg (NM_001362930.2, NM_001362931.2); c.-18+82G>A (NM_001362929.2); c.-18+825G>A (NM_001362932.2); short protein forms G83R, G15R.
Identifiers: ClinVar variation 644035 (VCV000644035.10), dbSNP rs1586795373, ClinGen allele CA371499521.
Genomic context (GRCh38, chr8:74,351,403, plus strand): 5'-CACAATGAGCCTTGGTTTATGCGTTTGAACTCAACTGGAGAAGTGCCTGTCCTTATCCAC[G>A]GGGAAAACATAATTTGTGAGGCCACTCAGATCATTGATTATCTTGAACAGACTTTCCTGG-3'
Protein context (NP_061845.2, residues 73-93): STGEVPVLIH[Gly83Arg]ENIICEATQI